The following is an entry in ClinVar:

ClinVar aggregate classification (germline): Benign/Likely benign. Review status: criteria provided, multiple submitters, no conflicts (2 of 4 stars). 3 submissions from 3 submitters: Benign (1); Likely benign (2). Last evaluated 2026-08-17.

Conditions:
Hereditary cancer-predisposing syndrome. Also called: Hereditary neoplastic syndrome; Neoplastic Syndromes, Hereditary; Tumor predisposition; Hereditary Cancer Syndrome. Identifiers: Orphanet 140162, MedGen C0027672, MeSH D009386, MONDO:0015356.
DICER1-related tumor predisposition. Also called: DICER1 syndrome; DICER1-related pleuropulmonary blastoma cancer predisposition syndrome. Identifiers: Orphanet 284343, MedGen C3839822, MONDO:0100216.

Allele frequency attached by ClinVar (database versions not stated): TOPMed below 0.00001; gnomAD 0.00001.
gnomAD v4.1: 1 of 1,614,096 alleles (0.000062%); highest among the groups gnomAD compares: Non-Finnish European, 0.000085%; no homozygotes.

Submissions (3):

Myriad Genetics, Inc.
Classification: Benign for DICER1-related tumor predisposition. Last evaluated: 2026-08-17. Review status: criteria provided, single submitter. Criteria: Myriad Autosomal Dominant, Autosomal Recessive and X-Linked Classification Criteria (2023). Collection method: clinical testing. Allele origin: unknown.
Comment: This variant is considered benign. This variant is a silent/synonymous amino acid change and it is not expected to impact splicing.

Labcorp Genetics (formerly Invitae), Labcorp
Classification: Likely benign for DICER1-related tumor predisposition. Last evaluated: 2025-03-09. Review status: criteria provided, single submitter. Criteria: Invitae Variant Classification Sherloc (09022015). Collection method: clinical testing. Allele origin: germline.

Ambry Genetics
Classification: Likely benign for Hereditary cancer-predisposing syndrome. Last evaluated: 2022-09-05. Review status: criteria provided, single submitter. Criteria: Ambry Variant Classification Scheme 2023. Collection method: clinical testing. Allele origin: germline.

NM_177438.3(DICER1):c.4524A>C (p.Ala1508=)

Gene: DICER1 (dicer 1, ribonuclease III; minus strand). Cytogenetic location: 14q32.13.
Variant type: single nucleotide variant.
Coding change: c.4524A>C on transcript NM_177438.3 (MANE Select); coding-DNA position 4524, A replaced by C.
Protein change: p.Ala1508=; no amino-acid change (alanine 1508 retained).
Molecular consequence: synonymous variant.
Genome position (GRCh38, 1-based): chr14:95,096,396, T>G on the plus strand (A>C on the coding strand, the complement: DICER1 is on the minus strand). VCF-style: chr14-95096396-T-G. GRCh37 (hg19) VCF-style: chr14-95562733-T-G.
Other names: c.4524A>C, p.Ala1508= (NM_001195573.1, NM_001271282.3, NM_001291628.2 and 1 more transcripts).
Identifiers: ClinVar variation 796105 (VCV000796105.14), dbSNP rs1595340958, ClinGen allele CA487844043.